The following is an entry in ClinVar:

NM_007294.4(BRCA1):c.2125_2126insA (p.Phe709fs)

Gene: BRCA1 (BRCA1 DNA repair associated; minus strand). Cytogenetic location: 17q21.31.
Variant type: Insertion.
Coding change: c.2125_2126insA on transcript NM_007294.4 (MANE Select); coding-DNA positions 2125 to 2126, A inserted.
Protein change: p.Phe709fs; shifts the reading frame from phenylalanine 709.
Molecular consequence: frameshift variant. On other transcripts: intron variant (137).
Genome position: GRCh38 VCF-style: chr17-43093405-A-AT. GRCh37 (hg19) VCF-style: chr17-41245422-A-AT.
Other names: 2244insA; c.2122_2123insA, p.Phe708fs (NM_001407629.1, NM_001407630.1, NM_001407631.1 and 22 more transcripts); c.2125_2126insA, p.Phe709fs (NM_001407639.1, NM_001407640.1, NM_001407641.1 and 30 more transcripts); c.2116_2117insA, p.Phe706fs (NM_001407646.1, NM_001407647.1); c.2002_2003insA, p.Phe668fs (NM_001407648.1, NM_001407664.1, NM_001407665.1 and 19 more transcripts); c.1999_2000insA, p.Phe667fs (NM_001407649.1, NM_001407670.1, NM_001407671.1 and 11 more transcripts); c.2047_2048insA, p.Phe683fs (NM_001407653.1, NM_001407654.1, NM_001407655.1 and 4 more transcripts); c.2044_2045insA, p.Phe682fs (NM_001407659.1, NM_001407660.1, NM_001407661.1 and 1 more transcripts); and 43 more; short protein forms F709fs, F662fs, F541fs, F661fs, F581fs, F639fs, F641fs, F668fs.
Identifiers: ClinVar variation 54469 (VCV000054469.37), dbSNP rs80357871, ClinGen allele CA001418.

ClinVar aggregate classification (germline): Pathogenic. Review status: reviewed by expert panel (3 of 4 stars). 18 submissions from 18 submitters: Pathogenic (1). 17 of the submissions do not count toward it. Last evaluated 2016-09-08.

Conditions:
Hereditary breast ovarian cancer syndrome. Also called: Hereditary breast and ovarian cancer syndrome (HBOC); Hereditary breast and ovarian cancer syndrome; Hereditary breast and ovarian cancer; Hereditary breast and/or ovarian cancer syndrome; Breast and ovarian cancer; BRCA1- and BRCA2-Associated Hereditary Breast and Ovarian Cancer. Identifiers: Orphanet 145, MedGen C0677776, MeSH D061325, MONDO:0003582. Disease mechanism: loss of function.
Familial pancreatic carcinoma. Identifiers: Orphanet 1333, MedGen C2931038, MONDO:0015278, OMIM 260350.
Breast and/or ovarian cancer. Identifiers: MedGen CN221562.
Hereditary cancer-predisposing syndrome. Also called: Tumor predisposition; Neoplastic Syndromes, Hereditary; Hereditary Cancer Syndrome; Hereditary neoplastic syndrome. Identifiers: Orphanet 140162, MedGen C0027672, MeSH D009386, MONDO:0015356.
Breast-ovarian cancer, familial, susceptibility to, 1 (BROVCA1). Also called: OVARIAN CANCER, SUSCEPTIBILITY TO; BRCA1 Hereditary Breast and Ovarian Cancer. Identifiers: Orphanet 145, MedGen C2676676, MONDO:0011450, OMIM 604370. Disease mechanism: loss of function.

Submissions 1 to 12 of 18:

Evidence-based Network for the Interpretation of Germline Mutant Alleles (ENIGMA)
Classification: Pathogenic for Breast-ovarian cancer, familial, susceptibility to, 1. Last evaluated: 2016-09-08. Review status: reviewed by expert panel. Criteria: ENIGMA BRCA1/2 Classification Criteria (2015). Collection method: curation. Allele origin: germline.
Comment: Variant allele predicted to encode a truncated non-functional protein.

Labcorp Genetics (formerly Invitae), Labcorp
Classification: Pathogenic for Hereditary breast ovarian cancer syndrome. Last evaluated: 2025-10-20. Review status: criteria provided, single submitter. Criteria: Invitae Variant Classification Sherloc (09022015). Collection method: clinical testing. Allele origin: germline. Not counted in ClinVar's aggregate classification.
Comment: This sequence change creates a premature translational stop signal (p.Phe709Tyrfs*3) in the BRCA1 gene. It is expected to result in an absent or disrupted protein product. Loss-of-function variants in BRCA1 are known to be pathogenic (PMID: 20104584). This variant is not present in population databases (gnomAD no frequency). This premature translational stop signal has been observed in individual(s) with breast and ovarian cancer (PMID: 10200350, 16905680, 24549055, 25884701, 27083178). This variant is also known as 2244insA. ClinVar contains an entry for this variant (Variation ID: 54469). For these reasons, this variant has been classified as Pathogenic.

GeneDx
Classification: Pathogenic. Last evaluated: 2024-05-29. Review status: criteria provided, single submitter. Criteria: GeneDx Variant Classification Process June 2021. Collection method: clinical testing. Allele origin: germline. Affected: yes. Not counted in ClinVar's aggregate classification.
Comment: Frameshift variant predicted to result in protein truncation or nonsense mediated decay in a gene for which loss of function is a known mechanism of disease; Not observed at significant frequency in large population cohorts (gnomAD); Truncating variants in this gene are considered pathogenic by a well-established clinical consortium and/or database; Also known as 2244_2245insA and 2244insA; This variant is associated with the following publications: (PMID: 30145549, 16905680, 25884701, 10200350, 20694749, 24549055, 27446417, 28478614, 32894085, 32300229, 35578052, 27083178, 29446198, 22762150)

Ambry Genetics
Classification: Pathogenic for Hereditary cancer-predisposing syndrome. Last evaluated: 2023-06-23. Review status: criteria provided, single submitter. Criteria: Ambry Variant Classification Scheme 2023. Collection method: clinical testing. Allele origin: germline. Not counted in ClinVar's aggregate classification.
Comment: The c.2125_2126insA pathogenic mutation, located in coding exon 9 of the BRCA1 gene, results from an insertion of one nucleotide at position 2125, causing a translational frameshift with a predicted alternate stop codon (p.F709Yfs*3). This alteration has been reported in numerous individuals with personal and/or family history consistent with hereditary breast and ovarian cancer syndrome (Laplace-Marieze V et al. Int. J. Oncol., 1999 May;14:971-7; Simard J et al. J. Med. Genet., 2007 Feb;44:107-21; Lecarpentier J et al. Breast Cancer Res., 2012 Jul;14:R99; Cast&eacute;ra L et al. Eur. J. Hum. Genet., 2014 Nov;22:1305-13; Belanger MH et al. J Ovarian Res, 2015 Mar;8:1; Gonz&aacute;lez-Rivera M et al. Breast Cancer Res. Treat., 2016 04;156:507-515; Jouali F et al. Oncol Lett, 2016 Aug;12:1192-1196; Rebbeck TR et al. Hum. Mutat., 2018 05;39:593-620). Of note, this alteration is also designated as 2244insA, c.2126insA, and c.2126_2127insA in published literature. In addition to the clinical data presented in the literature, this alteration is expected to result in loss of function by premature protein truncation or nonsense-mediated mRNA decay. As such, this alteration is interpreted as a disease-causing mutation.

Women's Health and Genetics/Laboratory Corporation of America, LabCorp
Classification: Pathogenic for Hereditary breast and ovarian cancer syndrome. Last evaluated: 2020-09-21. Review status: criteria provided, single submitter. Criteria: LabCorp Variant Classification Summary - May 2015. Collection method: clinical testing. Allele origin: germline. Not counted in ClinVar's aggregate classification.
Comment: Variant summary: BRCA1 c.2125_2126insA (p.Phe709TyrfsX3) results in a premature termination codon, predicted to cause a truncation of the encoded protein or absence of the protein due to nonsense mediated decay, which are commonly known mechanisms for disease. Truncations downstream of this position have been classified as pathogenic by our laboratory. The variant was absent in 251170 control chromosomes. c.2125_2126insA has been reported in the literature in multiple individuals affected with Hereditary Breast And Ovarian Cancer Syndrome (Laplcae-Marieze_1999, Simard_2007, Rebbeck_2018). These data indicate that the variant is very likely to be associated with disease. To our knowledge, no experimental evidence demonstrating an impact on protein function has been reported. Seven clinical diagnostic laboratories have submitted clinical-significance assessments for this variant to ClinVar after 2014 without evidence for independent evaluation. All laboratories classified the variant as pathogenic. Based on the evidence outlined above, the variant was classified as pathogenic.

Quest Diagnostics Nichols Institute San Juan Capistrano
Classification: Pathogenic. Last evaluated: 2020-04-03. Review status: criteria provided, single submitter. Criteria: Quest Diagnostics criteria. Collection method: clinical testing. Allele origin: unknown. Not counted in ClinVar's aggregate classification.
Comment: The variant results in a shift of the reading frame, and is therefore predicted to result in the loss of a functional protein. Found in at least one patient with expected phenotype for this gene, and not found in general population data.

Color Diagnostics, LLC DBA Color Health
Classification: Pathogenic for Hereditary cancer-predisposing syndrome. Last evaluated: 2019-09-10. Review status: criteria provided, single submitter. Criteria: ACMG Guidelines, 2015. Collection method: clinical testing. Allele origin: germline. Not counted in ClinVar's aggregate classification.
Comment: This variant inserts 1 nucleotide in exon 10 of the BRCA1 gene, creating a frameshift and premature translation stop signal. This variant is expected to result in an absent or non-functional protein product. Splice site prediction tools suggest that this variant may not impact RNA splicing. This variant has been reported with individuals affected with breast and/or ovarian cancer (PMID: 16905680, 24549055, 25884701, 27083178, 20694749, 28478614). This variant has not been identified in the general population by the Genome Aggregation Database (gnomAD). Loss of BRCA1 function is a known mechanism of disease. Based on the available evidence, this variant is classified as Pathogenic.

Mendelics
Classification: Pathogenic for Breast-ovarian cancer, familial, susceptibility to, 1. Last evaluated: 2019-05-28. Review status: criteria provided, single submitter. Criteria: Mendelics Assertion Criteria 2017. Collection method: clinical testing. Allele origin: unknown. Not counted in ClinVar's aggregate classification.

Consortium of Investigators of Modifiers of BRCA1/2 (CIMBA), c/o University of Cambridge
Classification: Pathogenic for Breast-ovarian cancer, familial, susceptibility to, 1. Last evaluated: 2015-10-02. Review status: criteria provided, single submitter. Criteria: CIMBA Mutation Classification guidelines May 2016. Collection method: clinical testing. Allele origin: germline. Not counted in ClinVar's aggregate classification.

Molecular Genetics Laboratory, University of Michigan
Classification: Pathogenic for Breast-ovarian cancer, familial, susceptibility to, 1. Last evaluated: 2014-11-03. Review status: criteria provided, single submitter. Criteria: ACMG Guidelines, 2015. Collection method: clinical testing. Allele origin: germline. Affected: yes. Not counted in ClinVar's aggregate classification.

Department of Pathology and Laboratory Medicine, Sinai Health System
Classification: Pathogenic for Hereditary breast ovarian cancer syndrome; Familial pancreatic carcinoma. Last evaluated: 2014-09-19. Review status: criteria provided, single submitter. Criteria: ACMG Guidelines, 2015. Collection method: clinical testing. Allele origin: germline. Affected: yes. Not counted in ClinVar's aggregate classification.

Genesis Genomics
Classification: Pathogenic for Breast-ovarian cancer, familial, susceptibility to, 1. Review status: criteria provided, single submitter. Criteria: ACMG Guidelines, 2015. Collection method: clinical testing. Allele origin: germline. Affected: yes. Observed: 2 variant alleles. Not counted in ClinVar's aggregate classification.